The following is an entry in ClinVar:

ClinVar aggregate classification (germline): Benign/Likely benign. Review status: criteria provided, multiple submitters, no conflicts (2 of 4 stars). 9 submissions from 9 submitters: Benign (5); Likely benign (3). 1 of the submissions does not count toward it. Last evaluated 2026-01-21.

Conditions:
Treacher Collins syndrome 1 (TCS1). Also called: TCOF1-Related Treacher Collins Syndrome. Identifiers: Orphanet 861, MedGen CN315775, MONDO:0007944, OMIM 154500.

Allele frequency attached by ClinVar (database versions not stated): 1000 Genomes Project 0.00080; 1000 Genomes Project 30x 0.00094; ESP Exome Variant Server 0.00108; TOPMed 0.00136; gnomAD 0.00185 and 0.00188; ExAC 0.00348.
gnomAD v4.1: 3,361 of 1,571,546 alleles (0.21%); highest among the groups gnomAD compares: Middle Eastern, 0.28%; 11 homozygotes.

Submissions (9):

Labcorp Genetics (formerly Invitae), Labcorp
Classification: Benign for Treacher Collins syndrome 1. Last evaluated: 2026-01-21. Review status: criteria provided, single submitter. Criteria: Invitae Variant Classification Sherloc (09022015). Collection method: clinical testing. Allele origin: germline.

Blueprint Genetics
Classification: Likely benign. Last evaluated: 2024-11-26. Review status: criteria provided, single submitter. Criteria: ACMG Guidelines, 2015. Collection method: clinical testing. Allele origin: germline.

CeGaT Center for Human Genetics Tuebingen
Classification: Benign. Last evaluated: 2024-09-01. Review status: criteria provided, single submitter. Criteria: CeGaT Center For Human Genetics Tuebingen Variant Classification Criteria Version 2. Collection method: clinical testing. Allele origin: germline. Affected: yes. Observed: 3 variant alleles.
Comment: TCOF1: BP4, BS1, BS2

Athena Diagnostics
Classification: Benign. Last evaluated: 2019-07-12. Review status: criteria provided, single submitter. Criteria: Athena Diagnostics Criteria. Collection method: clinical testing. Allele origin: germline.

GeneDx
Classification: Benign. Last evaluated: 2019-03-14. Review status: criteria provided, single submitter. Criteria: GeneDx Variant Classification Process June 2021. Collection method: clinical testing. Allele origin: germline. Affected: yes.
Comment: This variant is associated with the following publications: (PMID: 28419064, 30245029, 28065470, 15340364)

Center for Pediatric Genomic Medicine, Children's Mercy Hospital and Clinics
Classification: Likely benign. Last evaluated: 2017-06-02. Review status: criteria provided, single submitter. Criteria: ACMG Guidelines, 2015. Collection method: clinical testing. Allele origin: germline.

Eurofins Ntd Llc (ga)
Classification: Benign. Last evaluated: 2017-03-31. Review status: criteria provided, single submitter. Criteria: EGL Classification Definitions 2015. Collection method: clinical testing. Allele origin: germline. Observed: 3 variant alleles, 3 heterozygotes.

Breakthrough Genomics
Classification: Likely benign. Review status: criteria provided, single submitter. Criteria: ACMG Guidelines, 2015. Collection method: not provided. Allele origin: germline. Inheritance: Autosomal dominant inheritance. Affected: yes.

Genetics Laboratories, Oxford Radcliffe Hospitals NHS Trust
Classification: Likely benign for Treacher collins syndrome 1. Review status: no assertion criteria provided. Collection method: not provided. Allele origin: somatic. Not counted in ClinVar's aggregate classification.

Literature cited by the submitters: PubMed 15340364 (cited by Athena Diagnostics); PubMed 28419064 (cited by Athena Diagnostics); PubMed 28065470 (cited by Athena Diagnostics).

NM_001371623.1(TCOF1):c.1028G>A (p.Ser343Asn)

Gene: TCOF1 (treacle ribosome biogenesis factor 1; plus strand). Cytogenetic location: 5q32.
Variant type: single nucleotide variant.
Coding change: c.1028G>A on transcript NM_001371623.1 (MANE Select); coding-DNA position 1028, G replaced by A.
Protein change: p.Ser343Asn; replaces serine 343 with asparagine.
Molecular consequence: missense variant.
Genome position (GRCh38, 1-based): chr5:150,374,331, G>A. VCF-style: chr5-150374331-G-A. GRCh37 (hg19) VCF-style: chr5-149753894-G-A.
Other names: c.797G>A, p.Ser266Asn (NM_000356.4, NM_001135245.2); c.1028G>A, p.Ser343Asn (NM_001008657.3, NM_001135243.2, NM_001135244.2 and 1 more transcripts); short protein forms S266N, S343N.
Identifiers: ClinVar variation 209020 (VCV000209020.43), dbSNP rs144327167, ClinGen allele CA276078.